The following is an entry in ClinVar:

ClinVar aggregate classification (germline): Uncertain significance. Review status: criteria provided, multiple submitters, no conflicts (2 of 4 stars). 2 submissions from 2 submitters: Uncertain significance (2). Last evaluated 2025-04-13.

Conditions:
ALG9 congenital disorder of glycosylation (CDG1L). Also called: CONGENITAL DISORDER OF GLYCOSYLATION, TYPE Il; ALG9-CDG; CDG Il. Identifiers: Orphanet 79328, MedGen C2931006, MONDO:0012117, OMIM 608776.
Inborn genetic diseases. Identifiers: MedGen C0950123, MeSH D030342.

Allele frequency attached by ClinVar (database versions not stated): gnomAD exomes 0.00001 and 0.00008; ExAC 0.00002; TOPMed 0.00002; gnomAD 0.00003.

Submissions (2):

Ambry Genetics
Classification: Uncertain significance for Inborn genetic diseases. Last evaluated: 2025-04-13. Review status: criteria provided, single submitter. Criteria: Ambry Variant Classification Scheme 2023. Collection method: clinical testing. Allele origin: germline.

Labcorp Genetics (formerly Invitae), Labcorp
Classification: Uncertain significance for ALG9 congenital disorder of glycosylation. Last evaluated: 2022-04-25. Review status: criteria provided, single submitter. Criteria: Invitae Variant Classification Sherloc (09022015). Collection method: clinical testing. Allele origin: germline.
Comment: This sequence change replaces aspartic acid, which is acidic and polar, with asparagine, which is neutral and polar, at codon 852 of the ATP6V0A2 protein (p.Asp852Asn). This variant is present in population databases (rs774594773, gnomAD 0.003%). This variant has not been reported in the literature in individuals affected with ATP6V0A2-related conditions. ClinVar contains an entry for this variant (Variation ID: 859353). Algorithms developed to predict the effect of missense changes on protein structure and function output the following: SIFT: "Tolerated"; PolyPhen-2: "Benign"; Align-GVGD: "Class C0". The asparagine amino acid residue is found in multiple mammalian species, which suggests that this missense change does not adversely affect protein function. In summary, the available evidence is currently insufficient to determine the role of this variant in disease. Therefore, it has been classified as a Variant of Uncertain Significance.

NM_012463.4(ATP6V0A2):c.2554G>A (p.Asp852Asn)

Gene: ATP6V0A2 (ATPase H+ transporting V0 subunit a2; plus strand). Cytogenetic location: 12q24.31.
Variant type: single nucleotide variant.
Coding change: c.2554G>A on transcript NM_012463.4 (MANE Select); coding-DNA position 2554, G replaced by A.
Protein change: p.Asp852Asn; replaces aspartic acid 852 with asparagine.
Molecular consequence: missense variant.
Genome position (GRCh38, 1-based): chr12:123,758,015, G>A. VCF-style: chr12-123758015-G-A. GRCh37 (hg19) VCF-style: chr12-124242562-G-A.
Other names: short protein forms D852N.
Identifiers: ClinVar variation 859353 (VCV000859353.8), dbSNP rs774594773, ClinGen allele CA6862291.